The following is an entry in ClinVar:

ClinVar aggregate classification (germline): Pathogenic (1 of 4 stars; one submission).

Conditions:
Glycogen storage disease type III (GSD3). Also called: FORBES DISEASE; Cori disease. Identifiers: Orphanet 366, MedGen C0017922, MONDO:0009291, OMIM 232400.

Submission:

Labcorp Genetics (formerly Invitae), Labcorp
Classification: Pathogenic for Glycogen storage disease type III. Last evaluated: 2023-08-11. Review status: criteria provided, single submitter. Criteria: Invitae Variant Classification Sherloc (09022015). Collection method: clinical testing. Allele origin: germline.
Comment: For these reasons, this variant has been classified as Pathogenic. This variant has not been reported in the literature in individuals affected with AGL-related conditions. This variant is not present in population databases (gnomAD no frequency). This sequence change creates a premature translational stop signal (p.Leu381*) in the AGL gene. It is expected to result in an absent or disrupted protein product. Loss-of-function variants in AGL are known to be pathogenic (PMID: 19299494).

Literature cited by the submitters: PubMed 19299494.

NM_000642.3(AGL):c.1142_1150del (p.Leu381_Glu384delinsTer)

Gene: AGL (amylo-alpha-1,6-glucosidase and 4-alpha-glucanotransferase; plus strand). Cytogenetic location: 1p21.2.
Variant type: Deletion.
Coding change: c.1142_1150del on transcript NM_000642.3 (MANE Select); coding-DNA positions 1142 to 1150, 9 bases deleted (TAAATTCAG; older notation c.1142_1150delTAAATTCAG).
Protein change: p.Leu381_Glu384delinsTer.
Molecular consequence: nonsense.
Genome position (GRCh38, 1-based): chr1:99,875,213-99,875,221, TAAATTCAG deleted. VCF-style (leftmost placement, unchanged base first): chr1-99875212-TTAAATTCAG-T. GRCh37 (hg19) VCF-style: chr1-100340768-TTAAATTCAG-T.
Other names: c.1142_1150delTAAATTCAG, p.Leu381_Ile718delinsTer (NM_000028.3, NM_000643.3, NM_000644.3 and 2 more transcripts); c.1094_1102delTAAATTCAG, p.Leu365_Ile702delinsTer (NM_000646.3); c.938_946delTAAATTCAG, p.Leu313_Ile650delinsTer (NM_001425328.1, NM_001425329.1); c.764_772delTAAATTCAG, p.Leu255_Ile592delinsTer (NM_001425332.1).
Identifiers: ClinVar variation 2807189 (VCV002807189.3), dbSNP rs2524599521, ClinGen allele CA2739272698.